The following is an entry in ClinVar:

ClinVar aggregate classification (germline): Uncertain significance (1 of 4 stars; one submission).

Conditions:
Pheochromocytoma/paraganglioma syndrome 3. Also called: GLOMUS TUMORS, FAMILIAL, 3; Paragangliomas 3; SDHC-Related Hereditary Paraganglioma-Pheochromocytoma Syndrome (Paragangliomas 3); SDHC-Related Hereditary Paraganglioma-Pheochromocytoma Syndrome. Identifiers: Orphanet 29072, MedGen C1854336, MONDO:0011544, OMIM 605373.
Gastrointestinal stromal tumor. Also called: Gastrointestinal stroma tumor; Gastrointestinal stromal tumor, somatic. Identifiers: Orphanet 44890, MedGen C0238198, MeSH D046152, MONDO:0011719, OMIM 606764, HP:0100723.

Submission:

Labcorp Genetics (formerly Invitae), Labcorp
Classification: Uncertain significance for Pheochromocytoma/paraganglioma syndrome 3; Gastrointestinal stromal tumor. Last evaluated: 2021-05-13. Review status: criteria provided, single submitter. Criteria: Invitae Variant Classification Sherloc (09022015). Collection method: clinical testing. Allele origin: germline.
Comment: This variant has not been reported in the literature in individuals with SDHC-related conditions. In summary, the available evidence is currently insufficient to determine the role of this variant in disease. Therefore, it has been classified as a Variant of Uncertain Significance. This variant results in a copy number gain of the genomic region encompassing exon(s) 3-6 of the SDHC gene. The 5' boundary is likely confined to intron 2. The 3' end of this event is unknown as it extends beyond the assayed region for this gene and therefore may encompass additional genes. As the precise location of this event is unknown, it may be in tandem or it may be located elsewhere in the genome.

NC_000001.10:g.(?_161298176)_(161332308_?)dup

Gene: SDHC (succinate dehydrogenase complex subunit C; plus strand). Cytogenetic location: 1q23.3.
Variant type: Duplication.
Identifiers: ClinVar variation 1400122 (VCV001400122.13).